The following is an entry in ClinVar:

ClinVar aggregate classification (germline): Uncertain significance. Review status: criteria provided, multiple submitters, no conflicts (2 of 4 stars). 2 submissions from 2 submitters: Uncertain significance (2). Last evaluated 2025-12-17.

Submissions (2):

Women's Health and Genetics/Laboratory Corporation of America, LabCorp
Classification: Uncertain significance. Last evaluated: 2025-12-17. Review status: criteria provided, single submitter. Criteria: LabCorp Variant Classification Summary - May 2015. Collection method: clinical testing. Allele origin: germline.
Comment: Variant summary: COMP c.113T>C (p.Leu38Pro) results in a non-conservative amino acid change in the encoded protein sequence. Algorithms developed to predict the effect of missense changes on protein structure and function are either unavailable or do not agree on the potential impact of this missense change. The variant was absent in 175412 control chromosomes. The available data on variant occurrences in the general population are insufficient to allow any conclusion about variant significance. To our knowledge, no occurrence of c.113T>C in individuals affected with COMP-related conditions and no experimental evidence demonstrating its impact on protein function have been reported. ClinVar contains an entry for this variant (Variation ID: 3668245). Based on the evidence outlined above, the variant was classified as uncertain significance.

Labcorp Genetics (formerly Invitae), Labcorp
Classification: Uncertain significance. Last evaluated: 2024-11-19. Review status: criteria provided, single submitter. Criteria: Invitae Variant Classification Sherloc (09022015). Collection method: clinical testing. Allele origin: germline.
Comment: This sequence change replaces leucine, which is neutral and non-polar, with proline, which is neutral and non-polar, at codon 38 of the COMP protein (p.Leu38Pro). This variant is not present in population databases (gnomAD no frequency). This variant has not been reported in the literature in individuals affected with COMP-related conditions. Invitae Evidence Modeling of protein sequence and biophysical properties (such as structural, functional, and spatial information, amino acid conservation, physicochemical variation, residue mobility, and thermodynamic stability) indicates that this missense variant is not expected to disrupt COMP protein function with a negative predictive value of 80%. In summary, the available evidence is currently insufficient to determine the role of this variant in disease. Therefore, it has been classified as a Variant of Uncertain Significance.

NM_000095.3(COMP):c.113T>C (p.Leu38Pro)

Gene: COMP (cartilage oligomeric matrix protein; minus strand). Cytogenetic location: 19p13.11.
Variant type: single nucleotide variant.
Coding change: c.113T>C on transcript NM_000095.3 (MANE Select); coding-DNA position 113, T replaced by C.
Protein change: p.Leu38Pro; replaces leucine 38 with proline.
Molecular consequence: missense variant.
Genome position (GRCh38, 1-based): chr19:18,790,902, A>G on the plus strand (T>C on the coding strand, the complement: COMP is on the minus strand). VCF-style: chr19-18790902-A-G. GRCh37 (hg19) VCF-style: chr19-18901711-A-G.
Other names: short protein forms L38P.
Identifiers: ClinVar variation 3668245 (VCV003668245.3).